The following is an entry in ClinVar:

ClinVar aggregate classification (germline): Likely pathogenic (1 of 4 stars; one submission).

Conditions:
LAMA2-related muscular dystrophy (LAMA2-RD). Also called: Laminin alpha 2-related dystrophy. Identifiers: MedGen C5679788, MONDO:0100228.

Submission:

Myriad Genetics, Inc.
Classification: Likely pathogenic for LAMA2-related muscular dystrophy. Last evaluated: 2019-12-28. Review status: criteria provided, single submitter. Criteria: Myriad Autosomal Dominant, Autosomal Recessive and X-Linked Classification Criteria (2023). Collection method: clinical testing. Allele origin: unknown.
Comment: NM_000426.3(LAMA2):c.637G>T(E213*) is expected to be pathogenic in the context of LAMA2-related muscular dystrophy. This variant is predicted to lead to an abnormal or absent protein product due to the creation of a premature termination codon in LAMA2, a gene where loss-of-function variants are known to be pathogenic. Please note: this variant was assessed in the context of healthy population screening.

NM_000426.4(LAMA2):c.637G>T (p.Glu213Ter)

Gene: LAMA2 (laminin subunit alpha 2; plus strand). Cytogenetic location: 6q22.33.
Variant type: single nucleotide variant.
Coding change: c.637G>T on transcript NM_000426.4 (MANE Select); coding-DNA position 637, G replaced by T.
Protein change: p.Glu213Ter; replaces glutamic acid 213 with a stop codon.
Molecular consequence: nonsense.
Genome position (GRCh38, 1-based): chr6:129,098,413, G>T. VCF-style: chr6-129098413-G-T. GRCh37 (hg19) VCF-style: chr6-129419558-G-T.
Other names: c.637G>T, p.Glu213Ter (NM_001079823.2); short protein forms E213*.
Identifiers: ClinVar variation 983904 (VCV000983904.4), dbSNP rs1775315900, ClinGen allele CA365829554.